The following is an entry in ClinVar:

NM_002742.3(PRKD1):c.2134G>A (p.Val712Met)

Gene: PRKD1 (protein kinase D1; minus strand). Cytogenetic location: 14q12.
Variant type: single nucleotide variant.
Coding change: c.2134G>A on transcript NM_002742.3 (MANE Select); coding-DNA position 2134, G replaced by A.
Protein change: p.Val712Met; replaces valine 712 with methionine.
Molecular consequence: missense variant.
Genome position (GRCh38, 1-based): chr14:29,599,059, C>T on the plus strand (G>A on the coding strand, the complement: PRKD1 is on the minus strand). VCF-style: chr14-29599059-C-T. GRCh37 (hg19) VCF-style: chr14-30068265-C-T.
Other names: c.2158G>A, p.Val720Met (NM_001330069.2); c.1870G>A, p.Val624Met (NM_001348390.1); short protein forms V624M, V712M, V720M.
Identifiers: ClinVar variation 1700150 (VCV001700150.2), dbSNP rs2139012188, ClinGen allele CA389332055.

ClinVar aggregate classification (germline): Conflicting classifications of pathogenicity. Review status: criteria provided, conflicting classifications (1 of 4 stars). 2 submissions from 2 submitters: Likely pathogenic (1); Uncertain significance (1). Last evaluated 2023-11-23.

Conditions:
Congenital heart defects and ectodermal dysplasia (CHDED). Identifiers: MedGen C4479250, MONDO:0044303, OMIM 617364.
Neurodevelopmental delay. Identifiers: MedGen C4022738, HP:0012758.

Submissions (2):

Laboratorio de Genetica e Diagnostico Molecular, Hospital Israelita Albert Einstein
Classification: Uncertain significance for Congenital heart defects and ectodermal dysplasia. Last evaluated: 2023-11-23. Review status: criteria provided, single submitter. Criteria: ACMG Guidelines, 2015. Collection method: clinical testing. Allele origin: germline. Affected: yes.
Comment: ACMG classification criteria: PM2 moderate, PP3 supporting

Centre de Biologie Pathologie Génétique, Centre Hospitalier Universitaire de Lille
Classification: Likely pathogenic for Neurodevelopmental delay. Review status: criteria provided, single submitter. Criteria: ACMG Guidelines, 2015. Collection method: clinical testing. Allele origin: de novo. Affected: yes.